The following is an entry in ClinVar:

NM_001353345.2(SETD1B):c.770C>T (p.Ala257Val)

Gene: SETD1B (SET domain containing 1B, histone lysine methyltransferase; plus strand). Cytogenetic location: 12q24.31.
Variant type: single nucleotide variant.
Coding change: c.770C>T on transcript NM_001353345.2 (MANE Select); coding-DNA position 770, C replaced by T.
Protein change: p.Ala257Val; replaces alanine 257 with valine.
Molecular consequence: missense variant.
Genome position (GRCh38, 1-based): chr12:121,809,715, C>T. VCF-style: chr12-121809715-C-T. GRCh37 (hg19) VCF-style: chr12-122247621-C-T.
Other names: short protein forms A257V.
Identifiers: ClinVar variation 3343743 (VCV003343743.1).
Genomic context (GRCh38, chr12:121,809,715, plus strand): 5'-GCTCCGGCTCCTCCTCTGTCACCCCCAATAGCGGTGGGACACCCTTCTCCCAGGACACAG[C>T]TTATTCCAGCTGCCGCCTGGACACACCCAACTCCTATGGACAGGGCACCCCGCTCACACC-3'
Protein context (NP_001340274.1, residues 247-267): SGGTPFSQDT[Ala257Val]YSSCRLDTPN

ClinVar aggregate classification (germline): Uncertain significance (1 of 4 stars; one submission).

gnomAD v4.1: 3 of 1,551,506 alleles (0.00019%); highest among the groups gnomAD compares: Admixed American, 0.002%; no homozygotes.

Submission:

GeneDx
Classification: Uncertain significance. Last evaluated: 2023-05-31. Review status: criteria provided, single submitter. Criteria: GeneDx Variant Classification Process June 2021. Collection method: clinical testing. Allele origin: germline. Affected: yes.
Comment: Not observed at significant frequency in large population cohorts (gnomAD); In silico analysis supports that this missense variant has a deleterious effect on protein structure/function; Has not been previously published as pathogenic or benign to our knowledge